The following is an entry in ClinVar:

NM_024782.3(NHEJ1):c.177+147TG[19]

Gene: NHEJ1 (non-homologous end joining factor 1; minus strand). Cytogenetic location: 2q35.
Variant type: Microsatellite.
Coding change: c.177+147TG[19] on transcript NM_024782.3 (MANE Select); 19 copies in a row of the 2-base unit TG starting at c.177+147; the reference has 24 copies in a row; five copies, 10 bases deleted.
Molecular consequence: intron variant.
Genome position (GRCh38, 1-based): chr2:219,157,992-219,158,001, CACACACACA deleted on the plus strand (TGTGTGTGTG on the coding strand, the reverse complement: NHEJ1 is on the minus strand); deleting any 10 consecutive bases within chr2:219,157,992-219,158,039 gives the same sequence; the position shown is the placement nearest the transcript's 3' end. VCF-style (leftmost placement, unchanged base first): chr2-219157991-TCACACACACA-T. GRCh37 (hg19) VCF-style: chr2-220022713-TCACACACACA-T.
Other names: c.177+147TG[19] (NM_001377499.1, NM_001377498.1).
Identifiers: ClinVar variation 1706853 (VCV001706853.2), dbSNP rs58103413, ClinGen allele CA539841721.

ClinVar aggregate classification (germline): Likely benign (1 of 4 stars; one submission).

Submission:

GeneDx
Classification: Likely benign. Last evaluated: 2019-08-10. Review status: criteria provided, single submitter. Criteria: GeneDx Variant Classification Process June 2021. Collection method: clinical testing. Allele origin: germline. Affected: yes.
Comment: See Variant Classification Assertion Criteria.